The following is an entry in ClinVar:

ClinVar aggregate classification (germline): Likely benign (0 of 4 stars; one submission).

Conditions:
PREX2-related disorder. Also called: PREX2-related condition.

Allele frequency attached by ClinVar (database versions not stated): gnomAD exomes below 0.00001; TOPMed below 0.00001.
gnomAD v4.1: 4 of 1,612,306 alleles (0.00025%); highest among the groups gnomAD compares: Non-Finnish European, 0.00034%; no homozygotes.

Submission:

PreventionGenetics, part of Exact Sciences
Classification: Likely benign for PREX2-related condition. Last evaluated: 2019-06-13. Review status: no assertion criteria provided. Collection method: clinical testing. Allele origin: germline.
Comment: This variant is classified as likely benign based on ACMG/AMP sequence variant interpretation guidelines (Richards et al. 2015 PMID: 25741868, with internal and published modifications).

NM_024870.4(PREX2):c.1716A>G (p.Ser572=)

Gene: PREX2 (phosphatidylinositol-3,4,5-trisphosphate dependent Rac exchange factor 2; plus strand). Cytogenetic location: 8q13.2.
Variant type: single nucleotide variant.
Coding change: c.1716A>G on transcript NM_024870.4 (MANE Select); coding-DNA position 1716, A replaced by G.
Protein change: p.Ser572=; no amino-acid change (serine 572 retained).
Molecular consequence: synonymous variant.
Genome position (GRCh38, 1-based): chr8:68,080,516, A>G. VCF-style: chr8-68080516-A-G. GRCh37 (hg19) VCF-style: chr8-68992751-A-G.
Other names: c.1716A>G, p.Ser572= (NM_025170.6).
Identifiers: ClinVar variation 3033461 (VCV003033461.2), dbSNP rs1218381361, ClinGen allele CA461309140.
Genomic context (GRCh38, chr8:68,080,516, plus strand): 5'-CGAATTCAAAGATGAACCCCTACTTTTCCGTTTTTTTTCGGATGAGGAAATGGAGGGATC[A>G]AATATGAAACATCGACTTATGAAACATGACTTAAAAGTTGTGGAAAATGTTATAGCTAAG-3'
Protein context (NP_079146.2, residues 562-582): RFFSDEEMEG[Ser572=]NMKHRLMKHD